The following is an entry in ClinVar:

NM_182961.4(SYNE1):c.8238G>A (p.Glu2746=)

Gene: SYNE1 (spectrin repeat containing nuclear envelope protein 1; minus strand). Cytogenetic location: 6q25.2.
Variant type: single nucleotide variant.
Coding change: c.8238G>A on transcript NM_182961.4 (MANE Select); coding-DNA position 8238, G replaced by A.
Protein change: p.Glu2746=; no amino-acid change (glutamic acid 2746 retained).
Molecular consequence: synonymous variant.
Genome position (GRCh38, 1-based): chr6:152,387,321, C>T on the plus strand (G>A on the coding strand, the complement: SYNE1 is on the minus strand). VCF-style: chr6-152387321-C-T. GRCh37 (hg19) VCF-style: chr6-152708456-C-T.
Other names: p.Glu2753=; c.8259G>A, p.Glu2753= (NM_033071.5).
Identifiers: ClinVar variation 681574 (VCV000681574.11), dbSNP rs139838755, ClinGen allele CA4057584.

ClinVar aggregate classification (germline): Benign/Likely benign. Review status: criteria provided, multiple submitters, no conflicts (2 of 4 stars). 4 submissions from 4 submitters: Benign (2); Likely benign (2). Last evaluated 2026-01-14.

Conditions:
Emery-Dreifuss muscular dystrophy 4, autosomal dominant (EDMD4). Also called: EMERY-DREIFUSS MUSCULAR DYSTROPHY 4 WITH VARIABLE FEATURES. Identifiers: Orphanet 261, MedGen C2751807, MONDO:0013071, OMIM 612998.
Autosomal recessive ataxia, Beauce type. Also called: Spinocerebellar ataxia, autosomal recessive 8; ATAXIA, RECESSIVE, OF BEAUCE; SYNE1-Related Autosomal Recessive Cerebellar Ataxia; SYNE1 Deficiency. Identifiers: Orphanet 88644, MedGen C1853116, MONDO:0012549, OMIM 610743.

Allele frequency attached by ClinVar (database versions not stated): ESP Exome Variant Server 0.00069; gnomAD 0.00072 and 0.00078; 1000 Genomes Project 30x 0.00078; 1000 Genomes Project 0.00080; TOPMed 0.00082.
gnomAD v4.1: 238 of 1,614,220 alleles (0.015%); highest among the groups gnomAD compares: African/African-American, 0.28%; no homozygotes.

Submissions (4):

Labcorp Genetics (formerly Invitae), Labcorp
Classification: Benign for Emery-Dreifuss muscular dystrophy 4, autosomal dominant; Autosomal recessive ataxia, Beauce type. Last evaluated: 2026-01-14. Review status: criteria provided, single submitter. Criteria: Invitae Variant Classification Sherloc (09022015). Collection method: clinical testing. Allele origin: germline.

Mayo Clinic Laboratories, Mayo Clinic
Classification: Likely benign. Last evaluated: 2025-05-02. Review status: criteria provided, single submitter. Criteria: ACMG Guidelines, 2015. Collection method: clinical testing. Allele origin: germline. Observed: 1 variant allele.
Comment: BS1, BP4, BP7

Athena Diagnostics
Classification: Benign. Last evaluated: 2025-02-24. Review status: criteria provided, single submitter. Criteria: Athena Diagnostics Criteria. Collection method: clinical testing. Allele origin: unknown.
Comment: The frequency of this variant in the general population is higher than would generally be expected for pathogenic variants in this gene. Computational tools yielded predictions that this variant is unlikely to have an effect on normal RNA splicing. This nucleotide position exhibits low evolutionary conservation.

GeneDx
Classification: Likely benign. Last evaluated: 2018-04-09. Review status: criteria provided, single submitter. Criteria: GeneDx Variant Classification (06012015). Collection method: clinical testing. Allele origin: germline. Affected: yes.
Comment: This variant is considered likely benign or benign based on one or more of the following criteria: it is a conservative change, it occurs at a poorly conserved position in the protein, it is predicted to be benign by multiple in silico algorithms, and/or has population frequency not consistent with disease.